The following is an entry in ClinVar:

NM_001083962.2(TCF4):c.322T>G (p.Ser108Ala)

Gene: TCF4 (transcription factor 4; minus strand). Cytogenetic location: 18q21.2.
Variant type: single nucleotide variant.
Coding change: c.322T>G on transcript NM_001083962.2 (MANE Select); coding-DNA position 322, T replaced by G.
Protein change: p.Ser108Ala; replaces serine 108 with alanine.
Molecular consequence: missense variant. On other transcripts: 5 prime UTR variant (3).
Genome position (GRCh38, 1-based): chr18:55,403,501, A>C on the plus strand (T>G on the coding strand, the complement: TCF4 is on the minus strand). VCF-style: chr18-55403501-A-C. GRCh37 (hg19) VCF-style: chr18-53070732-A-C.
Other names: c.628T>G, p.Ser210Ala (NM_001243226.3); c.250T>G, p.Ser84Ala (NM_001243227.2, NM_001306207.1, NM_001348217.1 and 15 more transcripts); c.322T>G, p.Ser108Ala (NM_001243228.2, NM_001330604.3, NM_001369567.1 and 8 more transcripts); c.316T>G, p.Ser106Ala (NM_001243230.2); c.196T>G, p.Ser66Ala (NM_001243231.2, NM_001348211.2); c.112T>G, p.Ser38Ala (NM_001243232.1, NM_001306208.1); c.-69T>G (NM_001243233.2, NM_001348213.2); c.-66T>G (NM_001348212.2); short protein forms S106A, S108A, S210A, S38A, S66A, S84A.
Identifiers: ClinVar variation 1306059 (VCV001306059.2), dbSNP rs112222111, ClinGen allele CA402702898.

ClinVar aggregate classification (germline): Uncertain significance (1 of 4 stars; one submission).

Submission:

GeneDx
Classification: Uncertain significance. Last evaluated: 2019-05-24. Review status: criteria provided, single submitter. Criteria: GeneDx Variant Classification Process June 2021. Collection method: clinical testing. Allele origin: germline. Affected: yes.
Comment: Not observed in large population cohorts (Lek et al., 2016); In silico analysis, which includes protein predictors and evolutionary conservation, supports that this variant does not alter protein structure/function; Has not been previously published as pathogenic or benign to our knowledge